The following is an entry in ClinVar:

ClinVar aggregate classification (germline): Pathogenic (1 of 4 stars; one submission).

Conditions:
Methylmalonic aciduria, cblA type (MACA). Also called: Vitamin B12-responsive methylmalonic acidemia type cblA; Methylmalonic aciduria, vitamin b12-responsive, due to defect in synthesis of adenosylcobalamin, cbla complementation type; MMA cbl A type; Methylmalonic acidemia cblA type; Methylmalonic aciduria, vitamin B12-responsive. Identifiers: Orphanet 28, Orphanet 79310, MedGen C1855109, MONDO:0009613, OMIM 251100.

Submission:

Labcorp Genetics (formerly Invitae), Labcorp
Classification: Pathogenic for Methylmalonic aciduria, cblA type. Last evaluated: 2022-05-27. Review status: criteria provided, single submitter. Criteria: Invitae Variant Classification Sherloc (09022015). Collection method: clinical testing. Allele origin: germline.
Comment: For these reasons, this variant has been classified as Pathogenic. This variant has not been reported in the literature in individuals affected with MMAA-related conditions. This variant is not present in population databases (gnomAD no frequency). This sequence change creates a premature translational stop signal (p.Leu57Argfs*5) in the MMAA gene. It is expected to result in an absent or disrupted protein product. Loss-of-function variants in MMAA are known to be pathogenic (PMID: 15523652, 15781192).

Literature cited by the submitters: PubMed 15523652; PubMed 15781192.

NM_172250.3(MMAA):c.170del (p.Leu57fs)

Gene: MMAA (metabolism of cobalamin associated A; plus strand). Cytogenetic location: 4q31.21.
Variant type: Deletion.
Coding change: c.170del on transcript NM_172250.3 (MANE Select); coding-DNA position 170, one base deleted (T; older notation c.170delT).
Protein change: p.Leu57fs; shifts the reading frame from leucine 57.
Molecular consequence: frameshift variant.
Genome position (GRCh38, 1-based): chr4:145,639,309, T deleted. VCF-style (leftmost placement, unchanged base first): chr4-145639308-CT-C. GRCh37 (hg19) VCF-style: chr4-146560460-CT-C.
Other names: c.170del, p.Leu57fs (NM_001375644.1); short protein forms L57fs.
Identifiers: ClinVar variation 1999235 (VCV001999235.4), dbSNP rs2546335527, ClinGen allele CA2580071566.